The following is an entry in ClinVar:

ClinVar aggregate classification (germline): Uncertain significance (1 of 4 stars; one submission).

Conditions:
Peripheral neuropathy. Also called: Neuropathy. Identifiers: MedGen C0031117, MONDO:0005244, HP:0009830.

Submission:

Labcorp Genetics (formerly Invitae), Labcorp
Classification: Uncertain significance for Peripheral neuropathy. Last evaluated: 2020-11-23. Review status: criteria provided, single submitter. Criteria: Invitae Variant Classification Sherloc (09022015). Collection method: clinical testing. Allele origin: germline.
Comment: Algorithms developed to predict the effect of missense changes on protein structure and function are either unavailable or do not agree on the potential impact of this missense change (SIFT: "Tolerated"; PolyPhen-2: "Possibly Damaging"; Align-GVGD: "Class C0"). In summary, the available evidence is currently insufficient to determine the role of this variant in disease. Therefore, it has been classified as a Variant of Uncertain Significance. This variant has not been reported in the literature in individuals with FLRT1-related conditions. This variant is not present in population databases (ExAC no frequency). This sequence change replaces histidine with arginine at codon 578 of the FLRT1 protein (p.His578Arg). The histidine residue is highly conserved and there is a small physicochemical difference between histidine and arginine.

NM_013280.5(FLRT1):c.1733A>G (p.His578Arg)

Genes: MACROD1 (mono-ADP ribosylhydrolase 1; minus strand), FLRT1 (fibronectin leucine rich transmembrane protein 1; plus strand). Cytogenetic location: 11q13.1.
Variant type: single nucleotide variant.
Coding change: c.1733A>G on transcript NM_013280.5 (MANE Select); coding-DNA position 1733, A replaced by G.
Protein change: p.His578Arg; replaces histidine 578 with arginine.
Molecular consequence: missense variant. On other transcripts: intron variant (2).
Genome position (GRCh38, 1-based): chr11:64,118,000, A>G. VCF-style: chr11-64118000-A-G. GRCh37 (hg19) VCF-style: chr11-63885472-A-G.
Other names: c.1733A>G, p.His578Arg (NM_001384466.1); c.1649A>G, p.His550Arg (NM_001423967.1); c.517+33239T>C (NM_001411019.1, NM_014067.4); short protein forms H578R, H550R.
Identifiers: ClinVar variation 1374536 (VCV001374536.8), dbSNP rs1590935087, ClinGen allele CA381062348.